The following is an entry in ClinVar:

NM_145290.4(ADGRA3):c.2075G>A (p.Arg692Gln)

Gene: ADGRA3 (adhesion G protein-coupled receptor A3; minus strand). Cytogenetic location: 4p15.2.
Variant type: single nucleotide variant.
Coding change: c.2075G>A on transcript NM_145290.4 (MANE Select); coding-DNA position 2075, G replaced by A.
Protein change: p.Arg692Gln; replaces arginine 692 with glutamine.
Molecular consequence: missense variant.
Genome position (GRCh38, 1-based): chr4:22,413,339, C>T on the plus strand (G>A on the coding strand, the complement: ADGRA3 is on the minus strand). VCF-style: chr4-22413339-C-T. GRCh37 (hg19) VCF-style: chr4-22414962-C-T.
Other names: short protein forms R692Q.
Identifiers: ClinVar variation 2879897 (VCV002879897.3), dbSNP rs758572665, ClinGen allele CA2873743.

ClinVar aggregate classification (germline): Uncertain significance (1 of 4 stars; one submission).

Allele frequency attached by ClinVar (database versions not stated): TOPMed below 0.00001; ExAC 0.00001.
gnomAD v4.1: 15 of 1,614,058 alleles (0.00093%); highest among the groups gnomAD compares: South Asian, 0.0099%; no homozygotes.

Submission:

Labcorp Genetics (formerly Invitae), Labcorp
Classification: Uncertain significance. Last evaluated: 2022-12-27. Review status: criteria provided, single submitter. Criteria: Invitae Variant Classification Sherloc (09022015). Collection method: clinical testing. Allele origin: germline.
Comment: In summary, the available evidence is currently insufficient to determine the role of this variant in disease. Therefore, it has been classified as a Variant of Uncertain Significance. Algorithms developed to predict the effect of missense changes on protein structure and function are either unavailable or do not agree on the potential impact of this missense change (SIFT: "Tolerated"; PolyPhen-2: "Probably Damaging"; Align-GVGD: "Class C0"). This variant has not been reported in the literature in individuals affected with ADGRA3-related conditions. This variant is present in population databases (rs758572665, gnomAD 0.006%). This sequence change replaces arginine, which is basic and polar, with glutamine, which is neutral and polar, at codon 692 of the ADGRA3 protein (p.Arg692Gln).